The following is an entry in ClinVar:

NM_000268.4(NF2):c.1496A>G (p.Asn499Ser)

Gene: NF2 (NF2, moesin-ezrin-radixin like (MERLIN) tumor suppressor; plus strand). Cytogenetic location: 22q12.2.
Variant type: single nucleotide variant.
Coding change: c.1496A>G on transcript NM_000268.4 (MANE Select); coding-DNA position 1496, A replaced by G.
Protein change: p.Asn499Ser; replaces asparagine 499 with serine.
Molecular consequence: missense variant. On other transcripts: non-coding transcript variant (1), intron variant (1).
Genome position (GRCh38, 1-based): chr22:29,678,245, A>G. VCF-style: chr22-29678245-A-G. GRCh37 (hg19) VCF-style: chr22-30074234-A-G.
Other names: c.1496A>G (NM_000268.3); c.1496A>G, p.Asn499Ser (NM_016418.5, NM_181825.3, NM_181832.3); c.1370A>G, p.Asn457Ser (NM_181828.3); c.1373A>G, p.Asn458Ser (NM_181829.3); c.1247A>G, p.Asn416Ser (NM_181830.3, NM_181831.3); c.448-16507A>G (NM_181833.3); short protein forms N416S, N457S, N458S, N499S.
Identifiers: ClinVar variation 1394721 (VCV001394721.7), dbSNP rs2147108268, ClinGen allele CA411149641.

ClinVar aggregate classification (germline): Uncertain significance. Review status: criteria provided, multiple submitters, no conflicts (2 of 4 stars). 2 submissions from 2 submitters: Uncertain significance (2). Last evaluated 2024-04-27.

Conditions:
Neurofibromatosis, type 2 (SWNV). Also called: BILATERAL ACOUSTIC NEUROFIBROMATOSIS; NF2-Related Schwannomatosis; SCHWANNOMATOSIS, VESTIBULAR. Identifiers: Orphanet 637, MedGen C0027832, MONDO:0007039, OMIM 101000. Disease mechanism: loss of function.
Hereditary cancer-predisposing syndrome. Also called: Tumor predisposition; Neoplastic Syndromes, Hereditary; Hereditary Cancer Syndrome; Hereditary neoplastic syndrome. Identifiers: Orphanet 140162, MedGen C0027672, MeSH D009386, MONDO:0015356.

Allele frequency attached by ClinVar (database versions not stated): gnomAD exomes below 0.00001.
gnomAD v4.1: 2 of 1,614,078 alleles (0.00012%); highest among the groups gnomAD compares: Non-Finnish European, 0.00017%; no homozygotes.

Submissions (2):

Ambry Genetics
Classification: Uncertain significance for Hereditary cancer-predisposing syndrome. Last evaluated: 2024-04-27. Review status: criteria provided, single submitter. Criteria: Ambry Variant Classification Scheme 2023. Collection method: clinical testing. Allele origin: germline.
Comment: The p.N499S variant (also known as c.1496A>G), located in coding exon 14 of the NF2 gene, results from an A to G substitution at nucleotide position 1496. The asparagine at codon 499 is replaced by serine, an amino acid with highly similar properties. This amino acid position is conserved. In addition, this alteration is predicted to be tolerated by in silico analysis. Based on the available evidence, the clinical significance of this variant remains unclear.

Labcorp Genetics (formerly Invitae), Labcorp
Classification: Uncertain significance for Neurofibromatosis, type 2. Last evaluated: 2023-07-14. Review status: criteria provided, single submitter. Criteria: Invitae Variant Classification Sherloc (09022015). Collection method: clinical testing. Allele origin: germline.
Comment: This sequence change replaces asparagine, which is neutral and polar, with serine, which is neutral and polar, at codon 499 of the NF2 protein (p.Asn499Ser). This variant is not present in population databases (gnomAD no frequency). This variant has not been reported in the literature in individuals affected with NF2-related conditions. In summary, the available evidence is currently insufficient to determine the role of this variant in disease. Therefore, it has been classified as a Variant of Uncertain Significance. Advanced modeling of protein sequence and biophysical properties (such as structural, functional, and spatial information, amino acid conservation, physicochemical variation, residue mobility, and thermodynamic stability) performed at Invitae indicates that this missense variant is not expected to disrupt NF2 protein function. ClinVar contains an entry for this variant (Variation ID: 1394721).